The following is an entry in ClinVar:

ClinVar aggregate classification (germline): Likely benign (0 of 4 stars; one submission).

Conditions:
HNRNPA1-related disorder. Also called: HNRNPA1-related condition.

gnomAD v4.1: 38 of 1,613,248 alleles (0.0024%); highest among the groups gnomAD compares: African/African-American, 0.041%; no homozygotes.

Submission:

PreventionGenetics, part of Exact Sciences
Classification: Likely benign for HNRNPA1-related condition. Last evaluated: 2022-11-16. Review status: no assertion criteria provided. Collection method: clinical testing. Allele origin: germline.
Comment: This variant is classified as likely benign based on ACMG/AMP sequence variant interpretation guidelines (Richards et al. 2015 PMID: 25741868, with internal and published modifications).

NM_031157.4(HNRNPA1):c.516C>T (p.Gly172=)

Gene: HNRNPA1 (heterogeneous nuclear ribonucleoprotein A1; plus strand). Cytogenetic location: 12q13.13.
Variant type: single nucleotide variant.
Coding change: c.516C>T on transcript NM_031157.4 (MANE Select); coding-DNA position 516, C replaced by T.
Protein change: p.Gly172=; no amino-acid change (glycine 172 retained).
Molecular consequence: synonymous variant. On other transcripts: non-coding transcript variant (1).
Genome position (GRCh38, 1-based): chr12:54,282,419, C>T. VCF-style: chr12-54282419-C-T. GRCh37 (hg19) VCF-style: chr12-54676203-C-T.
Other names: c.516C>T, p.Gly172= (NM_002136.4).
Identifiers: ClinVar variation 3358162 (VCV003358162.1).